The following is an entry in ClinVar:

NM_001122659.3(EDNRB):c.677G>A (p.Trp226Ter)

Genes: EDNRB-AS1 (EDNRB antisense RNA 1; plus strand), EDNRB (endothelin receptor type B; minus strand). Cytogenetic location: 13q22.3.
Variant type: single nucleotide variant.
Coding change: c.677G>A on transcript NM_001122659.3 (MANE Select); coding-DNA position 677, G replaced by A.
Protein change: p.Trp226Ter; replaces tryptophan 226 with a stop codon.
Molecular consequence: nonsense.
Genome position (GRCh38, 1-based): chr13:77,903,280, C>T on the plus strand (G>A on the coding strand, the complement: EDNRB is on the minus strand). VCF-style: chr13-77903280-C-T. GRCh37 (hg19) VCF-style: chr13-78477415-C-T.
Other names: c.677G>A, p.Trp226Ter (NM_000115.5, NM_003991.4); c.947G>A, p.Trp316Ter (NM_001201397.2); short protein forms W226*, W316*.
Identifiers: ClinVar variation 3376674 (VCV003376674.1).

ClinVar aggregate classification (germline): Pathogenic (1 of 4 stars; one submission).

Conditions:
Waardenburg syndrome type 4A (WS4A). Also called: WAARDENBURG SYNDROME WITH HIRSCHSPRUNG DISEASE, TYPE 4A. Identifiers: Orphanet 897, MedGen C1848519, MONDO:0010192, OMIM 277580.

Submission:

Victorian Clinical Genetics Services, Murdoch Childrens Research Institute
Classification: Pathogenic for Waardenburg syndrome type 4A. Last evaluated: 2022-02-02. Review status: criteria provided, single submitter. Criteria: ACMG Guidelines, 2015. Collection method: clinical testing. Allele origin: germline. Affected: no.
Comment: Based on the classification scheme VCGS_Germline_v1.3.4, this variant is classified as Pathogenic. Following criteria are met: 0102 - Loss of function is a known mechanism of disease in this gene and is associated with Waardenburg syndrome type 4A (MIM#277580). (I) 0108 - This gene is associated with both recessive and dominant disease. (I) 0112 - The condition associated with this gene has incomplete penetrance. Both biallelic and monoallelic variants have been observed to have interfamilial and intrafamilial incomplete penetrance and variable expressivity (PMID: 24311220, 28236341, 8001158). (I) 0201 - Variant is predicted to cause nonsense-mediated decay (NMD) and loss of protein (premature termination codon is located at least 54 nucleotides upstream of the final exon-exon junction). (SP) 0251 - This variant is heterozygous. (I) 0301 - Variant is absent from gnomAD (both v2 and v3). (SP) 0701 - Other NMD predicted variants comparable to the one identified in this case have very strong previous evidence for pathogenicity (ClinVar). (SP) 0803 - This variant has limited previous evidence of pathogenicity in one family. This exact change has not been reported however, an alternative nucleotide change resulting in the same protein variation, c.678G>A; p.(Trp226*), has been reported in one family with Waardenburg syndrome type 2 (PMID: 28236341). (SP) 1002 - This variant has moderate functional evidence supporting abnormal protein function. Fuctional study using transfected cells demonstrated the variant induced a complete loss of protein at the membrane compared to WT. However, the construct used in this study is not a true NMD predicted variant (PMID: 28236341). (I) 1208 - Inheritance information for this variant is not currently available in this individual. (I) Legend: (SP) - Supporting pathogenic, (I) - Information, (SB) - Supporting benign

Literature cited by the submitters: PubMed 8001158; PubMed 24311220; PubMed 28236341.